The following is an entry in ClinVar:

NM_194248.3(OTOF):c.1149G>C (p.Gly383=)

Gene: OTOF (otoferlin; minus strand). Cytogenetic location: 2p23.3.
Variant type: single nucleotide variant.
Coding change: c.1149G>C on transcript NM_194248.3 (MANE Select); coding-DNA position 1149, G replaced by C.
Protein change: p.Gly383=; no amino-acid change (glycine 383 retained).
Molecular consequence: synonymous variant.
Genome position (GRCh38, 1-based): chr2:26,484,530, C>G on the plus strand (G>C on the coding strand, the complement: OTOF is on the minus strand). VCF-style: chr2-26484530-C-G. GRCh37 (hg19) VCF-style: chr2-26707398-C-G.
Other names: c.1149G>C, p.Gly383= (NM_001287489.2).
Identifiers: ClinVar variation 335454 (VCV000335454.21), dbSNP rs142219516, ClinGen allele CA1564369.

ClinVar aggregate classification (germline): Conflicting classifications of pathogenicity. Review status: criteria provided, conflicting classifications (1 of 4 stars). 4 submissions from 4 submitters: Uncertain significance (1); Likely benign (3). Last evaluated 2025-01-01.

Conditions:
Autosomal recessive nonsyndromic hearing loss 9. Also called: NEUROSENSORY NONSYNDROMIC RECESSIVE DEAFNESS 9; Deafness, autosomal recessive 9; AUDITORY NEUROPATHY, AUTOSOMAL RECESSIVE, 1, TEMPERATURE-SENSITIVE; OTOF-Related Hearing Loss. Identifiers: Orphanet 90636, MedGen C1832828, MONDO:0010986, OMIM 601071.

Allele frequency attached by ClinVar (database versions not stated): gnomAD 0.00004; TOPMed 0.00005; ESP Exome Variant Server 0.00023.
gnomAD v4.1: 128 of 1,613,892 alleles (0.0079%); highest among the groups gnomAD compares: Non-Finnish European, 0.011%; no homozygotes.

Submissions (4):

CeGaT Center for Human Genetics Tuebingen
Classification: Likely benign. Last evaluated: 2025-01-01. Review status: criteria provided, single submitter. Criteria: CeGaT Center For Human Genetics Tuebingen Variant Classification Criteria Version 2. Collection method: clinical testing. Allele origin: germline. Affected: yes. Observed: 1 variant allele.
Comment: OTOF: BP4, BP7

Labcorp Genetics (formerly Invitae), Labcorp
Classification: Likely benign. Last evaluated: 2024-01-27. Review status: criteria provided, single submitter. Criteria: Invitae Variant Classification Sherloc (09022015). Collection method: clinical testing. Allele origin: germline.

Illumina Laboratory Services, Illumina
Classification: Uncertain significance for Autosomal recessive nonsyndromic hearing loss 9. Last evaluated: 2018-01-13. Review status: criteria provided, single submitter. Criteria: ICSL Variant Classification Criteria 13 December 2019. Collection method: clinical testing. Allele origin: germline.

GeneDx
Classification: Likely benign. Last evaluated: 2017-10-26. Review status: criteria provided, single submitter. Criteria: GeneDx Variant Classification (06012015). Collection method: clinical testing. Allele origin: germline. Affected: yes.
Comment: This variant is considered likely benign or benign based on one or more of the following criteria: it is a conservative change, it occurs at a poorly conserved position in the protein, it is predicted to be benign by multiple in silico algorithms, and/or has population frequency not consistent with disease.